The following is an entry in ClinVar:

ClinVar aggregate classification (germline): Uncertain significance (1 of 4 stars; one submission).

Conditions:
Peroxisome biogenesis disorder, complementation group K (CGK). Identifiers: MedGen C1866257, MONDO:0800365.

gnomAD v4.1: 1 of 1,613,356 alleles (0.000062%); highest among the groups gnomAD compares: Non-Finnish European, 0.000085%; no homozygotes.

Submission:

Labcorp Genetics (formerly Invitae), Labcorp
Classification: Uncertain significance for Peroxisome biogenesis disorder, complementation group K. Last evaluated: 2020-10-28. Review status: criteria provided, single submitter. Criteria: Invitae Variant Classification Sherloc (09022015). Collection method: clinical testing. Allele origin: germline.
Comment: In summary, the available evidence is currently insufficient to determine the role of this variant in disease. Therefore, it has been classified as a Variant of Uncertain Significance. Algorithms developed to predict the effect of missense changes on protein structure and function are either unavailable or do not agree on the potential impact of this missense change (SIFT: "Tolerated"; PolyPhen-2: "Probably Damaging"; Align-GVGD: "Class C0"). This variant has not been reported in the literature in individuals with PEX14-related conditions. This variant is not present in population databases (ExAC no frequency). This sequence change replaces glycine with arginine at codon 353 of the PEX14 protein (p.Gly353Arg). The glycine residue is moderately conserved and there is a moderate physicochemical difference between glycine and arginine.

NM_004565.3(PEX14):c.1057G>A (p.Gly353Arg)

Gene: PEX14 (peroxisomal biogenesis factor 14; plus strand). Cytogenetic location: 1p36.22.
Variant type: single nucleotide variant.
Coding change: c.1057G>A on transcript NM_004565.3 (MANE Select); coding-DNA position 1057, G replaced by A.
Protein change: p.Gly353Arg; replaces glycine 353 with arginine.
Molecular consequence: missense variant.
Genome position (GRCh38, 1-based): chr1:10,629,910, G>A. VCF-style: chr1-10629910-G-A. GRCh37 (hg19) VCF-style: chr1-10689967-G-A.
Other names: short protein forms G353R.
Identifiers: ClinVar variation 1001843 (VCV001001843.7), dbSNP rs1641870710, ClinGen allele CA338339661.